The following is an entry in ClinVar:

ClinVar aggregate classification (germline): Uncertain significance (1 of 4 stars; one submission).

Submission:

Labcorp Genetics (formerly Invitae), Labcorp
Classification: Uncertain significance. Last evaluated: 2024-09-28. Review status: criteria provided, single submitter. Criteria: Invitae Variant Classification Sherloc (09022015). Collection method: clinical testing. Allele origin: germline.
Comment: This sequence change results in a frameshift in the ALPK1 gene (p.Pro1242Hisfs*68). While this is not anticipated to result in nonsense mediated decay, it is expected to disrupt the last 3 amino acid(s) of the ALPK1 protein and extend the protein by 64 additional amino acid residues. This variant is present in population databases (rs756695204, gnomAD 0.007%). This variant has not been reported in the literature in individuals affected with ALPK1-related conditions. Experimental studies and prediction algorithms are not available or were not evaluated, and the functional significance of this variant is currently unknown. In summary, the available evidence is currently insufficient to determine the role of this variant in disease. Therefore, it has been classified as a Variant of Uncertain Significance.

NM_025144.4(ALPK1):c.3725del (p.Pro1242fs)

Gene: ALPK1 (alpha kinase 1; plus strand). Cytogenetic location: 4q25.
Variant type: Deletion.
Coding change: c.3725del on transcript NM_025144.4 (MANE Select); coding-DNA position 3725, one base deleted (C; older notation c.3725delC).
Protein change: p.Pro1242fs; shifts the reading frame from proline 1242.
Molecular consequence: frameshift variant.
Genome position (GRCh38, 1-based): chr4:112,441,103, C deleted; the last of 2 consecutive C bases (chr4:112,441,102-112,441,103); deleting either gives the same sequence. VCF-style (leftmost placement, unchanged base first): chr4-112441101-AC-A. GRCh37 (hg19) VCF-style: chr4-113362257-AC-A.
Other names: c.3725del, p.Pro1242fs (NM_001102406.2); c.3491del, p.Pro1164fs (NM_001253884.2); short protein forms P1164fs, P1242fs.
Identifiers: ClinVar variation 2990179 (VCV002990179.3), dbSNP rs756695204, ClinGen allele CA3047259.
Genomic context (GRCh38, chr4:112,441,101, plus strand): 5'-GCATGTGGAATGTAATGAAATCTGCCATCGTCTTTCTTTGACTAGACCTTCAATGGAGAA[AC>A]CATGTAAGTCATAGGCTGTATGGATTGGTAATGTGACAGACCTTAGTGATGCTCTCAAAT-3'